The following is an entry in ClinVar:

ClinVar aggregate classification (germline): Likely pathogenic (1 of 4 stars; one submission).

Conditions:
Congenital lactic acidosis, Saguenay-Lac-Saint-Jean type (MC4DN5). Also called: MITOCHONDRIAL COMPLEX IV DEFICIENCY, NUCLEAR TYPE 5; CYTOCHROME c OXIDASE DEFICIENCY, FRENCH CANADIAN TYPE; COX DEFICIENCY, FRENCH CANADIAN TYPE. Identifiers: Orphanet 70472, MedGen C1857355, MONDO:0009069, OMIM 220111.

Submission:

Myriad Genetics, Inc.
Classification: Likely pathogenic for Congenital lactic acidosis, Saguenay-Lac-Saint-Jean type. Last evaluated: 2022-01-08. Review status: criteria provided, single submitter. Criteria: Myriad Women's Health Autosomal Recessive and X-Linked Classification Criteria (2021). Collection method: clinical testing. Allele origin: unknown.
Comment: NM_133259.3(LRPPRC):c.3778_3780delCAAinsT(Q1260Sfs*9) is expected to be pathogenic in the context of Leigh syndrome, French-Canadian type. This variant is predicted to lead to an abnormal or absent protein product due to the creation of a premature termination codon in LRPPRC, a gene where loss-of-function variants are known to be pathogenic. Please note: this variant was assessed in the context of healthy population screening.

NM_133259.4(LRPPRC):c.3778_3780delinsT (p.Gln1260fs)

Gene: LRPPRC (leucine rich pentatricopeptide repeat containing; minus strand). Cytogenetic location: 2p21.
Variant type: Indel.
Coding change: c.3778_3780delinsT on transcript NM_133259.4 (MANE Select); coding-DNA positions 3778 to 3780, CAA replaced by T.
Protein change: p.Gln1260fs; shifts the reading frame from glutamine 1260.
Molecular consequence: frameshift variant.
Genome position (GRCh38, 1-based): chr2:43,899,264-43,899,266, TTG replaced by A on the plus strand (CAA replaced by T on the coding strand, the reverse complement: LRPPRC is on the minus strand). VCF-style: chr2-43899264-TTG-A. GRCh37 (hg19) VCF-style: chr2-44126403-TTG-A.
Other names: short protein forms Q1260fs.
Identifiers: ClinVar variation 1723911 (VCV001723911.2), dbSNP rs2466376668, ClinGen allele CA2580066483.